The following is an entry in ClinVar:

ClinVar aggregate classification (germline): Likely pathogenic (1 of 4 stars; one submission).

Conditions:
Spastic paraplegia. Identifiers: MedGen C0037772, HP:0001258.

Submission:

Labcorp Genetics (formerly Invitae), Labcorp
Classification: Likely pathogenic for Spastic paraplegia. Last evaluated: 2022-02-24. Review status: criteria provided, single submitter. Criteria: Invitae Variant Classification Sherloc (09022015). Collection method: clinical testing. Allele origin: germline.
Comment: This variant is not present in population databases (gnomAD no frequency). This sequence change affects an acceptor splice site in intron 33 of the ZFYVE26 gene. It is expected to disrupt RNA splicing. Variants that disrupt the donor or acceptor splice site typically lead to a loss of protein function (PMID: 16199547), and loss-of-function variants in ZFYVE26 are known to be pathogenic (PMID: 18394578, 19805727). In summary, the currently available evidence indicates that the variant is pathogenic, but additional data are needed to prove that conclusively. Therefore, this variant has been classified as Likely Pathogenic. Algorithms developed to predict the effect of sequence changes on RNA splicing suggest that this variant may disrupt the consensus splice site. This variant has not been reported in the literature in individuals affected with ZFYVE26-related conditions.

Literature cited by the submitters: PubMed 16199547; PubMed 18394578; PubMed 19805727.

NM_015346.4(ZFYVE26):c.6160-2A>C

Gene: ZFYVE26 (zinc finger FYVE-type containing 26; minus strand). Cytogenetic location: 14q24.1.
Variant type: single nucleotide variant.
Coding change: c.6160-2A>C on transcript NM_015346.4 (MANE Select); the canonical splice acceptor site of the intron before coding-DNA position 6160, A replaced by C.
Molecular consequence: splice acceptor variant.
Genome position (GRCh38, 1-based): chr14:67,762,414, T>G on the plus strand (A>C on the coding strand, the complement: ZFYVE26 is on the minus strand). VCF-style: chr14-67762414-T-G. GRCh37 (hg19) VCF-style: chr14-68229131-T-G.
Identifiers: ClinVar variation 2103018 (VCV002103018.4), dbSNP rs2503967975, ClinGen allele CA390164511.